The following is an entry in ClinVar:

ClinVar aggregate classification (germline): Conflicting classifications of pathogenicity. Review status: criteria provided, conflicting classifications (1 of 4 stars). 3 submissions from 3 submitters: Uncertain significance (2); Likely benign (1). Last evaluated 2025-10-13.

Conditions:
Inborn genetic diseases. Identifiers: MedGen C0950123, MeSH D030342.
Immunodeficiency 35 (IMD35). Also called: TYK2 DEFICIENCY; Susceptibility to infection due to TYK2 deficiency; HIES WITH ATYPICAL MYCOBACTERIOSIS, AUTOSOMAL RECESSIVE; HYPER-IgE SYNDROME WITH ATYPICAL MYCOBACTERIOSIS, AUTOSOMAL RECESSIVE. Identifiers: Orphanet 331226, MedGen C1969086, MONDO:0012682, OMIM 611521.

Allele frequency attached by ClinVar (database versions not stated): gnomAD 0.00005 and 0.00007; gnomAD exomes 0.00008 and 0.00015; TOPMed 0.00008; ExAC 0.00021; ESP Exome Variant Server 0.00023.
gnomAD v4.1: 126 of 1,610,178 alleles (0.0078%); highest among the groups gnomAD compares: South Asian, 0.1%; 1 homozygote.

Submissions (3):

Labcorp Genetics (formerly Invitae), Labcorp
Classification: Uncertain significance for Immunodeficiency 35. Last evaluated: 2025-10-13. Review status: criteria provided, single submitter. Criteria: Invitae Variant Classification Sherloc (09022015). Collection method: clinical testing. Allele origin: germline.
Comment: This sequence change replaces arginine, which is basic and polar, with cysteine, which is neutral and slightly polar, at codon 4 of the TYK2 protein (p.Arg4Cys). This variant is present in population databases (rs368801193, gnomAD 0.09%). This missense change has been observed in individual(s) with clinical features of TYK2-related disorders (PMID: 40586332). ClinVar contains an entry for this variant (Variation ID: 967039). An algorithm developed to predict the effect of missense changes on protein structure and function outputs the following: PolyPhen-2: "Benign". The cysteine amino acid residue is found in multiple mammalian species, which suggests that this missense change does not adversely affect protein function. In summary, the available evidence is currently insufficient to determine the role of this variant in disease. Therefore, it has been classified as a Variant of Uncertain Significance.

Ambry Genetics
Classification: Likely benign for Inborn genetic diseases. Last evaluated: 2023-10-13. Review status: criteria provided, single submitter. Criteria: Ambry Variant Classification Scheme 2023. Collection method: clinical testing. Allele origin: germline.

Breakthrough Genomics
Classification: Uncertain significance. Review status: criteria provided, single submitter. Criteria: ACMG Guidelines, 2015. Collection method: not provided. Allele origin: germline. Inheritance: Autosomal recessive inheritance. Affected: yes.

Literature cited by the submitters: PubMed 40586332 (cited by Labcorp Genetics (formerly Invitae), Labcorp).

NM_003331.5(TYK2):c.10C>T (p.Arg4Cys)

Gene: TYK2 (tyrosine kinase 2; minus strand). Cytogenetic location: 19p13.2.
Variant type: single nucleotide variant.
Coding change: c.10C>T on transcript NM_003331.5 (MANE Select); coding-DNA position 10, C replaced by T.
Protein change: p.Arg4Cys; replaces arginine 4 with cysteine.
Molecular consequence: missense variant.
Genome position (GRCh38, 1-based): chr19:10,378,397, G>A on the plus strand (C>T on the coding strand, the complement: TYK2 is on the minus strand). VCF-style: chr19-10378397-G-A. GRCh37 (hg19) VCF-style: chr19-10489073-G-A.
Other names: short protein forms R4C.
Identifiers: ClinVar variation 967039 (VCV000967039.10), dbSNP rs368801193, ClinGen allele CA9193907.